The following is an entry in ClinVar:

ClinVar aggregate classification (germline): Uncertain significance (1 of 4 stars; one submission).

Conditions:
Autosomal recessive severe congenital neutropenia due to CSF3R deficiency. Also called: Neutropenia, severe congenital, 7, autosomal recessive. Identifiers: Orphanet 420702, MedGen C4310764, MONDO:0014865, OMIM 617014.

Allele frequency attached by ClinVar (database versions not stated): TOPMed below 0.00001.

Submission:

Labcorp Genetics (formerly Invitae), Labcorp
Classification: Uncertain significance for Autosomal recessive severe congenital neutropenia due to CSF3R deficiency. Last evaluated: 2022-07-19. Review status: criteria provided, single submitter. Criteria: Invitae Variant Classification Sherloc (09022015). Collection method: clinical testing. Allele origin: germline.
Comment: In summary, the available evidence is currently insufficient to determine the role of this variant in disease. Therefore, it has been classified as a Variant of Uncertain Significance. Algorithms developed to predict the effect of missense changes on protein structure and function (SIFT, PolyPhen-2, Align-GVGD) all suggest that this variant is likely to be disruptive. ClinVar contains an entry for this variant (Variation ID: 1364694). This variant has not been reported in the literature in individuals affected with CSF3R-related conditions. This variant is not present in population databases (gnomAD no frequency). This sequence change replaces isoleucine, which is neutral and non-polar, with asparagine, which is neutral and polar, at codon 628 of the CSF3R protein (p.Ile628Asn).

NM_000760.4(CSF3R):c.1883T>A (p.Ile628Asn)

Gene: CSF3R (colony stimulating factor 3 receptor; minus strand). Cytogenetic location: 1p34.3.
Variant type: single nucleotide variant.
Coding change: c.1883T>A on transcript NM_000760.4 (MANE Select); coding-DNA position 1883, T replaced by A.
Protein change: p.Ile628Asn; replaces isoleucine 628 with asparagine.
Molecular consequence: missense variant.
Genome position (GRCh38, 1-based): chr1:36,467,633, A>T on the plus strand (T>A on the coding strand, the complement: CSF3R is on the minus strand). VCF-style: chr1-36467633-A-T. GRCh37 (hg19) VCF-style: chr1-36933234-A-T.
Other names: c.1883T>A, p.Ile628Asn (NM_156039.3, NM_172313.3); short protein forms I628N.
Identifiers: ClinVar variation 1364694 (VCV001364694.8), dbSNP rs1334552669, ClinGen allele CA339417340.